The following is an entry in ClinVar:

ClinVar aggregate classification (germline): Uncertain significance. Review status: criteria provided, multiple submitters, no conflicts (2 of 4 stars). 3 submissions from 3 submitters: Uncertain significance (3). Last evaluated 2025-10-29.

Allele frequency attached by ClinVar (database versions not stated): gnomAD exomes 0.00001; ExAC 0.00003.
gnomAD v4.1: 14 of 1,611,958 alleles (0.00087%); highest among the groups gnomAD compares: South Asian, 0.014%; no homozygotes.

Submissions (3):

Ambry Genetics
Classification: Uncertain significance. Last evaluated: 2025-10-29. Review status: criteria provided, single submitter. Criteria: Ambry Variant Classification Scheme 2023. Collection method: clinical testing. Allele origin: germline.

Labcorp Genetics (formerly Invitae), Labcorp
Classification: Uncertain significance. Last evaluated: 2025-07-17. Review status: criteria provided, single submitter. Criteria: Invitae Variant Classification Sherloc (09022015). Collection method: clinical testing. Allele origin: germline.
Comment: This sequence change replaces aspartic acid, which is acidic and polar, with asparagine, which is neutral and polar, at codon 843 of the RNF31 protein (p.Asp843Asn). This variant is present in population databases (rs781438841, gnomAD 0.02%). This variant has not been reported in the literature in individuals affected with RNF31-related conditions. ClinVar contains an entry for this variant (Variation ID: 1909641). An algorithm developed to predict the effect of missense changes on protein structure and function (PolyPhen-2) suggests that this variant is likely to be tolerated. In summary, the available evidence is currently insufficient to determine the role of this variant in disease. Therefore, it has been classified as a Variant of Uncertain Significance.

Mayo Clinic Laboratories, Mayo Clinic
Classification: Uncertain significance. Last evaluated: 2024-09-03. Review status: criteria provided, single submitter. Criteria: ACMG Guidelines, 2015. Collection method: clinical testing. Allele origin: germline. Observed: 1 variant allele.
Comment: BP4

NM_017999.5(RNF31):c.2527G>A (p.Asp843Asn)

Gene: RNF31 (ring finger protein 31; plus strand). Cytogenetic location: 14q12.
Variant type: single nucleotide variant.
Coding change: c.2527G>A on transcript NM_017999.5 (MANE Select); coding-DNA position 2527, G replaced by A.
Protein change: p.Asp843Asn; replaces aspartic acid 843 with asparagine.
Molecular consequence: missense variant.
Genome position (GRCh38, 1-based): chr14:24,157,323, G>A. VCF-style: chr14-24157323-G-A. GRCh37 (hg19) VCF-style: chr14-24626532-G-A.
Other names: p.Asp843Asn; c.2074G>A, p.Asp692Asn (NM_001310332.2); c.2527G>A (NM_017999.4); short protein forms D692N, D843N.
Identifiers: ClinVar variation 1909641 (VCV001909641.7), dbSNP rs781438841, ClinGen allele CA7126090.